The following is an entry in ClinVar:

ClinVar aggregate classification (germline): Uncertain significance (1 of 4 stars; one submission).

gnomAD v4.1: 3 of 1,613,768 alleles (0.00019%); highest among the groups gnomAD compares: Non-Finnish European, 0.00025%; no homozygotes.

Submission:

GeneDx
Classification: Uncertain significance. Last evaluated: 2024-12-03. Review status: criteria provided, single submitter. Criteria: GeneDx Variant Classification Process June 2021. Collection method: clinical testing. Allele origin: germline. Affected: yes.
Comment: Not observed at significant frequency in large population cohorts (gnomAD); In silico analysis supports that this missense variant has a deleterious effect on protein structure/function; Has not been previously published as pathogenic or benign to our knowledge

NM_001160372.4(TRAPPC9):c.1571C>G (p.Pro524Arg)

Gene: TRAPPC9 (trafficking protein particle complex subunit 9; minus strand). Cytogenetic location: 8q24.3.
Variant type: single nucleotide variant.
Coding change: c.1571C>G on transcript NM_001160372.4 (MANE Select); coding-DNA position 1571, C replaced by G.
Protein change: p.Pro524Arg; replaces proline 524 with arginine.
Molecular consequence: missense variant. On other transcripts: non-coding transcript variant (1).
Genome position (GRCh38, 1-based): chr8:140,311,299, G>C on the plus strand (C>G on the coding strand, the complement: TRAPPC9 is on the minus strand). VCF-style: chr8-140311299-G-C. GRCh37 (hg19) VCF-style: chr8-141321398-G-C.
Other names: c.1544C>G, p.Pro515Arg (NM_001321646.2); c.1592C>G, p.Pro531Arg (NM_001374682.1); c.1571C>G, p.Pro524Arg (NM_001374683.1, NM_031466.8); c.1427C>G, p.Pro476Arg (NM_001374684.1); short protein forms P476R, P515R, P524R, P531R.
Identifiers: ClinVar variation 3901345 (VCV003901345.1).